The following is an entry in ClinVar:

NM_021922.3(FANCE):c.1608_1609del (p.Ter537ThrextTer?)

Gene: FANCE (FA complementation group E; plus strand). Cytogenetic location: 6p21.31.
Variant type: Deletion.
Coding change: c.1608_1609del on transcript NM_021922.3 (MANE Select); coding-DNA positions 1608 to 1609, 2 bases deleted (CT; older notation c.1608_1609delCT).
Protein change: p.Ter537ThrextTer?.
Molecular consequence: frameshift variant.
Genome position (GRCh38, 1-based): chr6:35,466,342-35,466,343, CT deleted. VCF-style (leftmost placement, unchanged base first): chr6-35466341-CCT-C. GRCh37 (hg19) VCF-style: chr6-35434118-CCT-C.
Identifiers: ClinVar variation 1046389 (VCV001046389.6), dbSNP rs1767835895, ClinGen allele CA1620910291.

ClinVar aggregate classification (germline): Uncertain significance (1 of 4 stars; one submission).

Conditions:
Fanconi anemia complementation group E (FANCE). Also called: FANCE-Related Fanconi Anemia. Identifiers: Orphanet 84, MedGen C3160739, MONDO:0010953, OMIM 600901.

Allele frequency attached by ClinVar (database versions not stated): gnomAD exomes below 0.00001.

Submission:

Labcorp Genetics (formerly Invitae), Labcorp
Classification: Uncertain significance for Fanconi anemia complementation group E. Last evaluated: 2022-02-18. Review status: criteria provided, single submitter. Criteria: Invitae Variant Classification Sherloc (09022015). Collection method: clinical testing. Allele origin: germline.
Comment: This sequence change disrupts the translational stop signal of the FANCE mRNA. It is expected to extend the length of the FANCE protein by 79 additional amino acid residues. This variant is not present in population databases (gnomAD no frequency). This variant has not been reported in the literature in individuals affected with FANCE-related conditions. ClinVar contains an entry for this variant (Variation ID: 1046389). Experimental studies and prediction algorithms are not available or were not evaluated, and the functional significance of this variant is currently unknown. In summary, the available evidence is currently insufficient to determine the role of this variant in disease. Therefore, it has been classified as a Variant of Uncertain Significance.